The following is an entry in ClinVar:

ClinVar aggregate classification (germline): Likely benign. Review status: criteria provided, multiple submitters, no conflicts (2 of 4 stars). 3 submissions from 3 submitters: Likely benign (2). 1 of the submissions does not count toward it. Last evaluated 2025-10-03.

Conditions:
Familial idiopathic hypercalciuria (HCA2). Also called: Hypercalciuria, absorptive, 2; Hypercalciuria, absorptive, susceptibility to. Identifiers: MedGen C0342639, MONDO:0007748, OMIM 143870.
ADCY10-related disorder. Also called: ADCY10-related condition.

Allele frequency attached by ClinVar (database versions not stated): gnomAD exomes 0.00005 and 0.00010; ExAC 0.00012; gnomAD 0.00044 and 0.00050; TOPMed 0.00057; ESP Exome Variant Server 0.00062.
gnomAD v4.1: 149 of 1,614,094 alleles (0.0092%); highest among the groups gnomAD compares: African/African-American, 0.16%; 1 homozygote.

Submissions (3):

Labcorp Genetics (formerly Invitae), Labcorp
Classification: Likely benign. Last evaluated: 2025-10-03. Review status: criteria provided, single submitter. Criteria: Invitae Variant Classification Sherloc (09022015). Collection method: clinical testing. Allele origin: germline.

Fulgent Genetics
Classification: Likely benign for Familial idiopathic hypercalciuria. Last evaluated: 2021-12-23. Review status: criteria provided, single submitter. Criteria: ACMG Guidelines, 2015. Collection method: clinical testing. Allele origin: unknown.

PreventionGenetics, part of Exact Sciences
Classification: Likely benign for ADCY10-related condition. Last evaluated: 2023-12-12. Review status: no assertion criteria provided. Collection method: clinical testing. Allele origin: germline. Not counted in ClinVar's aggregate classification.
Comment: This variant is classified as likely benign based on ACMG/AMP sequence variant interpretation guidelines (Richards et al. 2015 PMID: 25741868, with internal and published modifications).

NM_018417.6(ADCY10):c.324G>A (p.Glu108=)

Genes: ADCY10 (adenylate cyclase 10; minus strand), DCAF6 (DDB1 and CUL4 associated factor 6; plus strand). Cytogenetic location: 1q24.2.
Variant type: single nucleotide variant.
Coding change: c.324G>A on transcript NM_018417.6 (MANE Select); coding-DNA position 324, G replaced by A.
Protein change: p.Glu108=; no amino-acid change (glutamic acid 108 retained).
Molecular consequence: synonymous variant. On other transcripts: intron variant (1).
Genome position (GRCh38, 1-based): chr1:167,901,774, C>T on the plus strand (G>A on the coding strand, the complement: ADCY10 is on the minus strand). VCF-style: chr1-167901774-C-T. GRCh37 (hg19) VCF-style: chr1-167871012-C-T.
Other names: c.48G>A, p.Glu16= (NM_001297772.2); c.-24+242G>A (NM_001167749.3); c.324G>A (NM_018417.5).
Identifiers: ClinVar variation 1138998 (VCV001138998.10), dbSNP rs145109141, ClinGen allele CA1228308.